The following is an entry in ClinVar:

ClinVar aggregate classification (germline): Uncertain significance. Review status: criteria provided, multiple submitters, no conflicts (2 of 4 stars). 2 submissions from 2 submitters: Uncertain significance (2). Last evaluated 2025-10-27.

Conditions:
Haddad syndrome (OHD). Also called: Ondine-Hirschsprung disease. Identifiers: Orphanet 99803, MedGen C1859049, MONDO:0020493.
Hereditary cancer-predisposing syndrome. Also called: Tumor predisposition; Hereditary neoplastic syndrome; Neoplastic Syndromes, Hereditary; Hereditary Cancer Syndrome. Identifiers: Orphanet 140162, MedGen C0027672, MeSH D009386, MONDO:0015356.

Allele frequency attached by ClinVar (database versions not stated): TOPMed 0.00001.

Submissions (2):

Ambry Genetics
Classification: Uncertain significance for Hereditary cancer-predisposing syndrome. Last evaluated: 2025-10-27. Review status: criteria provided, single submitter. Criteria: Ambry Variant Classification Scheme 2023. Collection method: clinical testing. Allele origin: germline.
Comment: The p.Q271P variant (also known as c.812A>C), located in coding exon 3 of the PHOX2B gene, results from an A to C substitution at nucleotide position 812. The glutamine at codon 271 is replaced by proline, an amino acid with similar properties. This amino acid position is highly conserved in available vertebrate species. In addition, the in silico prediction for this alteration is inconclusive. Based on the available evidence, the clinical significance of this variant remains unclear.

Labcorp Genetics (formerly Invitae), Labcorp
Classification: Uncertain significance for Haddad syndrome. Last evaluated: 2023-04-23. Review status: criteria provided, single submitter. Criteria: Invitae Variant Classification Sherloc (09022015). Collection method: clinical testing. Allele origin: germline.
Comment: In summary, the available evidence is currently insufficient to determine the role of this variant in disease. Therefore, it has been classified as a Variant of Uncertain Significance. Experimental studies and prediction algorithms are not available or were not evaluated, and the functional significance of this variant is currently unknown. ClinVar contains an entry for this variant (Variation ID: 665766). This variant has not been reported in the literature in individuals affected with PHOX2B-related conditions. This variant is not present in population databases (gnomAD no frequency). This sequence change replaces glutamine, which is neutral and polar, with proline, which is neutral and non-polar, at codon 271 of the PHOX2B protein (p.Gln271Pro).

NM_003924.4(PHOX2B):c.812A>C (p.Gln271Pro)

Gene: PHOX2B (paired like homeobox 2B; minus strand). Cytogenetic location: 4p13.
Variant type: single nucleotide variant.
Coding change: c.812A>C on transcript NM_003924.4 (MANE Select); coding-DNA position 812, A replaced by C.
Protein change: p.Gln271Pro; replaces glutamine 271 with proline.
Molecular consequence: missense variant.
Genome position (GRCh38, 1-based): chr4:41,745,940, T>G on the plus strand (A>C on the coding strand, the complement: PHOX2B is on the minus strand). VCF-style: chr4-41745940-T-G. GRCh37 (hg19) VCF-style: chr4-41747957-T-G.
Other names: short protein forms Q271P.
Identifiers: ClinVar variation 665766 (VCV000665766.13), dbSNP rs1334079108, ClinGen allele CA356737095.